The following is an entry in ClinVar:

ClinVar aggregate classification (germline): Uncertain significance (1 of 4 stars; one submission).

Conditions:
Ulnar-mammary syndrome (UMS). Also called: SCHINZEL SYNDROME; PALLISTER ULNAR-MAMMARY SYNDROME; Ulnar-mammary syndrome of Pallister. Identifiers: Orphanet 3138, MedGen C1866994, MONDO:0008411, OMIM 181450.

Allele frequency attached by ClinVar (database versions not stated): TOPMed below 0.00001; gnomAD 0.00001; gnomAD exomes 0.00001; ExAC 0.00003.
gnomAD v4.1: 11 of 1,577,326 alleles (0.0007%); highest among the groups gnomAD compares: South Asian, 0.0035%; no homozygotes.

Submission:

Labcorp Genetics (formerly Invitae), Labcorp
Classification: Uncertain significance for Ulnar-mammary syndrome. Last evaluated: 2023-07-06. Review status: criteria provided, single submitter. Criteria: Invitae Variant Classification Sherloc (09022015). Collection method: clinical testing. Allele origin: germline.
Comment: An algorithm developed to predict the effect of missense changes on protein structure and function (PolyPhen-2) suggests that this variant is likely to be tolerated. In summary, the available evidence is currently insufficient to determine the role of this variant in disease. Therefore, it has been classified as a Variant of Uncertain Significance. This variant has not been reported in the literature in individuals affected with TBX3-related conditions. This variant is present in population databases (rs753614292, gnomAD 0.004%). This sequence change replaces methionine, which is neutral and non-polar, with valine, which is neutral and non-polar, at codon 541 of the TBX3 protein (p.Met541Val).

NM_005996.4(TBX3):c.1621A>G (p.Met541Val)

Gene: TBX3 (T-box transcription factor 3; minus strand). Cytogenetic location: 12q24.21.
Variant type: single nucleotide variant.
Coding change: c.1621A>G on transcript NM_005996.4 (MANE Select); coding-DNA position 1621, A replaced by G.
Protein change: p.Met541Val; replaces methionine 541 with valine.
Molecular consequence: missense variant.
Genome position (GRCh38, 1-based): chr12:114,674,254, T>C on the plus strand (A>G on the coding strand, the complement: TBX3 is on the minus strand). VCF-style: chr12-114674254-T-C. GRCh37 (hg19) VCF-style: chr12-115112059-T-C.
Other names: c.1681A>G, p.Met561Val (NM_016569.4); short protein forms M541V, M561V.
Identifiers: ClinVar variation 2990620 (VCV002990620.3), dbSNP rs753614292, ClinGen allele CA6809890.